The following is an entry in ClinVar:

ClinVar aggregate classification (germline): Likely pathogenic (1 of 4 stars; one submission).

Conditions:
HNSHA due to aldolase A deficiency (GSD12). Also called: Glycogen storage disease due to aldolase A deficiency; GLYCOGEN STORAGE DISEASE XII; GSD XII; RED CELL ALDOLASE DEFICIENCY. Identifiers: Orphanet 57, MedGen C0272066, MONDO:0012747, OMIM 611881.

Submission:

First Genomix Gene Laboratory, Genetic Diagnostics Department
Classification: Likely pathogenic for HNSHA due to aldolase A deficiency. Last evaluated: 2025-08-07. Review status: criteria provided, single submitter. Criteria: ACMG Guidelines, 2015. Collection method: clinical testing. Allele origin: germline. Inheritance: Autosomal recessive inheritance. Affected: no. Observed: 1 variant allele.

NM_001243177.4(ALDOA):c.21del (p.Ser9fs)

Genes: ALDOA (aldolase, fructose-bisphosphate A; plus strand), LOC112694756 (uncharaterized LOC112694756; plus strand). Cytogenetic location: 16p11.2.
Variant type: Deletion.
Coding change: c.21del on transcript NM_001243177.4 (MANE Select); coding-DNA position 21, one base deleted (A; older notation c.21delA).
Protein change: p.Ser9fs; shifts the reading frame from serine 9.
Molecular consequence: frameshift variant. On other transcripts: intron variant (6).
Genome position (GRCh38, 1-based): chr16:30,066,918, A deleted; the last of 2 consecutive A bases (chr16:30,066,917-30,066,918); deleting either gives the same sequence. VCF-style (leftmost placement, unchanged base first): chr16-30066916-GA-G. GRCh37 (hg19) VCF-style: chr16-30078237-GA-G.
Other names: c.21delA (NM_001243177.4); c.*489-316del (NM_001365307.2, NM_001365305.2, NM_001365304.2); c.-21-316del (NM_184043.2, NM_001127617.2, NM_184041.5); short protein forms S9fs.
Identifiers: ClinVar variation 4850596 (VCV004850596.1).
Genomic context (GRCh38, chr16:30,066,916, plus strand): 5'-AAAATACTCCGGTTCGGTTTTGTTTTCAGGCAAGGTGACCCCATGGCAAGGCGCAAGCCA[GA>G]AGGGTCCAGCTTCAACATGACCCACCTGTCCATGGCTATGGCCTTTTCCTTTCCCCCAGT-3'